The following is an entry in ClinVar:

NM_181552.4(CUX1):c.358G>A (p.Glu120Lys)

Genes: CUX1 (cut like homeobox 1; plus strand), LOC126860126 (P300/CBP strongly-dependent group 1 enhancer GRCh37_chr7:101740358-101741557; plus strand). Cytogenetic location: 7q22.1.
Variant type: single nucleotide variant.
Coding change: c.358G>A on transcript NM_181552.4 (MANE Select); coding-DNA position 358, G replaced by A.
Protein change: p.Glu120Lys; replaces glutamic acid 120 with lysine.
Molecular consequence: missense variant. On other transcripts: intron variant (1).
Genome position (GRCh38, 1-based): chr7:102,097,453, G>A. VCF-style: chr7-102097453-G-A. GRCh37 (hg19) VCF-style: chr7-101740733-G-A.
Other names: c.391G>A, p.Glu131Lys (NM_001202543.2, NM_001913.5, NM_181500.4); c.343G>A, p.Glu115Lys (NM_001202544.3); c.280G>A, p.Glu94Lys (NM_001202546.3); c.302-6883G>A (NM_001202545.3); short protein forms E115K, E120K, E131K, E94K.
Identifiers: ClinVar variation 1696179 (VCV001696179.2), dbSNP rs1042943750, ClinGen allele CA163822403.

ClinVar aggregate classification (germline): Uncertain significance (1 of 4 stars; one submission).

Allele frequency attached by ClinVar (database versions not stated): gnomAD exomes below 0.00001; gnomAD 0.00004; TOPMed 0.00005.
gnomAD v4.1: 8 of 1,613,488 alleles (0.0005%); highest among the groups gnomAD compares: African/African-American, 0.011%; no homozygotes.

Submission:

Women's Health and Genetics/Laboratory Corporation of America, LabCorp
Classification: Uncertain significance. Last evaluated: 2024-07-10. Review status: criteria provided, single submitter. Criteria: LabCorp Variant Classification Summary - May 2015. Collection method: clinical testing. Allele origin: germline.
Comment: Variant summary: CUX1 c.391G>A (p.Glu131Lys) results in a conservative amino acid change in the encoded protein sequence. Three of five in-silico tools predict a benign effect of the variant on protein function. The variant allele was found at a frequency of 5e-06 in 1613488 control chromosomes, predominantly at a frequency of 0.00011 within the African or African-American subpopulation in the gnomAD database (v4). The available data on variant occurrences in the general population are insufficient to allow any conclusion about variant significance. To our knowledge, no occurrence of c.391G>A in individuals affected with Global Developmental Delay With Or Without Impaired Intellectual Development and no experimental evidence demonstrating its impact on protein function have been reported. ClinVar contains an entry for this variant (Variation ID: 1696179). Based on the evidence outlined above, the variant was classified as uncertain significance.

Literature cited by the submitters: PubMed 23212519; PubMed 24316979; PubMed 31320321; PubMed 30515541.